The following is an entry in ClinVar:

NM_177438.3(DICER1):c.462C>T (p.Val154=)

Gene: DICER1 (dicer 1, ribonuclease III; minus strand). Cytogenetic location: 14q32.13.
Variant type: single nucleotide variant.
Coding change: c.462C>T on transcript NM_177438.3 (MANE Select); coding-DNA position 462, C replaced by T.
Protein change: p.Val154=; no amino-acid change (valine 154 retained).
Molecular consequence: synonymous variant.
Genome position (GRCh38, 1-based): chr14:95,130,169, G>A on the plus strand (C>T on the coding strand, the complement: DICER1 is on the minus strand). VCF-style: chr14-95130169-G-A. GRCh37 (hg19) VCF-style: chr14-95596506-G-A.
Other names: c.462C>T, p.Val154= (NM_001195573.1, NM_001271282.3, NM_001291628.2 and 1 more transcripts).
Identifiers: ClinVar variation 417061 (VCV000417061.22), dbSNP rs199737359, ClinGen allele CA16614565.

ClinVar aggregate classification (germline): Benign/Likely benign. Review status: criteria provided, multiple submitters, no conflicts (2 of 4 stars). 7 submissions from 7 submitters: Benign (1); Likely benign (6). Last evaluated 2026-04-15.

Conditions:
DICER1-related tumor predisposition. Also called: DICER1-related pleuropulmonary blastoma cancer predisposition syndrome; DICER1 syndrome. Identifiers: Orphanet 284343, MedGen C3839822, MONDO:0100216.
Hereditary cancer-predisposing syndrome. Also called: Tumor predisposition; Hereditary Cancer Syndrome; Hereditary neoplastic syndrome; Neoplastic Syndromes, Hereditary. Identifiers: Orphanet 140162, MedGen C0027672, MeSH D009386, MONDO:0015356.

Allele frequency attached by ClinVar (database versions not stated): gnomAD 0.00001 and 0.00002; TOPMed 0.00001.
gnomAD v4.1: 4 of 1,612,662 alleles (0.00025%); highest among the groups gnomAD compares: Admixed American, 0.0017%; no homozygotes.

Submissions (7):

Myriad Genetics, Inc.
Classification: Benign for DICER1-related tumor predisposition. Last evaluated: 2026-04-15. Review status: criteria provided, single submitter. Criteria: Myriad Autosomal Dominant, Autosomal Recessive and X-Linked Classification Criteria (2023). Collection method: clinical testing. Allele origin: unknown.
Comment: This variant is considered benign. This variant is a silent/synonymous amino acid change and it is not expected to impact splicing.

Labcorp Genetics (formerly Invitae), Labcorp
Classification: Likely benign for DICER1-related tumor predisposition. Last evaluated: 2026-01-25. Review status: criteria provided, single submitter. Criteria: Invitae Variant Classification Sherloc (09022015). Collection method: clinical testing. Allele origin: germline.

Center for Genomic Medicine, Rigshospitalet, Copenhagen University Hospital
Classification: Likely benign. Last evaluated: 2025-12-29. Review status: criteria provided, single submitter. Criteria: ACMG Guidelines, 2015. Collection method: clinical testing. Allele origin: germline.
Comment: Classification criteria: BP4, BP7

Hereditary Cancer Group, L’Institut d'Investigació Biomèdica de Bellvitge
Classification: Likely benign for Hereditary cancer-predisposing syndrome. Last evaluated: 2024-12-19. Review status: criteria provided, single submitter. Criteria: Hatton et al. (Hum Mutat. 2023). Collection method: clinical testing. Allele origin: germline. Inheritance: Autosomal dominant inheritance. Affected: yes.
Comment: BP4, BP7

Quest Diagnostics Nichols Institute San Juan Capistrano
Classification: Likely benign. Last evaluated: 2022-12-09. Review status: criteria provided, single submitter. Criteria: Quest Diagnostics criteria. Collection method: clinical testing. Allele origin: unknown.

Blueprint Genetics
Classification: Likely benign. Last evaluated: 2022-07-04. Review status: criteria provided, single submitter. Criteria: ACMG Guidelines, 2015. Collection method: clinical testing. Allele origin: germline.

Ambry Genetics
Classification: Likely benign for Hereditary cancer-predisposing syndrome. Last evaluated: 2018-11-21. Review status: criteria provided, single submitter. Criteria: Ambry Variant Classification Scheme 2023. Collection method: clinical testing. Allele origin: germline.